The following is an entry in ClinVar:

NM_005045.4(RELN):c.5711C>T (p.Thr1904Met)

Gene: RELN (reelin; minus strand). Cytogenetic location: 7q22.1.
Variant type: single nucleotide variant.
Coding change: c.5711C>T on transcript NM_005045.4 (MANE Select); coding-DNA position 5711, C replaced by T.
Protein change: p.Thr1904Met; replaces threonine 1904 with methionine.
Molecular consequence: missense variant.
Genome position (GRCh38, 1-based): chr7:103,557,063, G>A on the plus strand (C>T on the coding strand, the complement: RELN is on the minus strand). VCF-style: chr7-103557063-G-A. GRCh37 (hg19) VCF-style: chr7-103197510-G-A.
Other names: c.5711C>T, p.Thr1904Met (NM_173054.3); short protein forms T1904M.
Identifiers: ClinVar variation 95223 (VCV000095223.24), dbSNP rs114190729, ClinGen allele CA222822.

ClinVar aggregate classification (germline): Conflicting classifications of pathogenicity. Review status: criteria provided, conflicting classifications (1 of 4 stars). 8 submissions from 8 submitters: Uncertain significance (7); Likely benign (1). Last evaluated 2025-12-01.

Conditions:
Norman-Roberts syndrome (LIS2). Also called: Lissencephaly 2 (Norman-Roberts type). Identifiers: Orphanet 89844, MedGen C0796089, MONDO:0009760, OMIM 257320.
Familial temporal lobe epilepsy 7. Identifiers: Orphanet 101046, MedGen C4225327, MONDO:0014639, OMIM 616436.
Epilepsy, familial temporal lobe, 1. Identifiers: Orphanet 101046, MedGen CN030884, MONDO:0700090, OMIM 600512.
Inborn genetic diseases. Identifiers: MedGen C0950123, MeSH D030342.

Allele frequency attached by ClinVar (database versions not stated): gnomAD 0.00025; ESP Exome Variant Server 0.00031; 1000 Genomes Project 0.00060; TOPMed 0.00027; 1000 Genomes Project 30x 0.00047.
gnomAD v4.1: 822 of 1,613,258 alleles (0.051%); highest among the groups gnomAD compares: East Asian, 0.1%; no homozygotes.

Submissions (8):

Labcorp Genetics (formerly Invitae), Labcorp
Classification: Likely benign for Familial temporal lobe epilepsy 7; Norman-Roberts syndrome. Last evaluated: 2025-12-01. Review status: criteria provided, single submitter. Criteria: Invitae Variant Classification Sherloc (09022015). Collection method: clinical testing. Allele origin: germline.

Blueprint Genetics
Classification: Uncertain significance. Last evaluated: 2024-09-06. Review status: criteria provided, single submitter. Criteria: ACMG Guidelines, 2015. Collection method: clinical testing. Allele origin: germline.

Mayo Clinic Laboratories, Mayo Clinic
Classification: Uncertain significance. Last evaluated: 2023-04-26. Review status: criteria provided, single submitter. Criteria: ACMG Guidelines, 2015. Collection method: clinical testing. Allele origin: germline. Observed: 1 variant allele.
Comment: PP3

Ambry Genetics
Classification: Uncertain significance for Inborn genetic diseases. Last evaluated: 2021-09-28. Review status: criteria provided, single submitter. Criteria: Ambry Variant Classification Scheme 2023. Collection method: clinical testing. Allele origin: germline.
Comment: Unlikely to be causative of RELN-related lateral temporal epilepsy (AD) Based on insufficient or conflicting evidence, the clinical significance of this alteration remains unclear.

Revvity Omics, Revvity
Classification: Uncertain significance for Norman-Roberts syndrome. Last evaluated: 2020-07-08. Review status: criteria provided, single submitter. Criteria: ACMG Guidelines, 2015. Collection method: clinical testing. Allele origin: germline.

Fulgent Genetics
Classification: Uncertain significance for Norman-Roberts syndrome; Epilepsy, familial temporal lobe, 1; Familial temporal lobe epilepsy 7. Last evaluated: 2018-10-31. Review status: criteria provided, single submitter. Criteria: ACMG Guidelines, 2015. Collection method: clinical testing. Allele origin: unknown.

Illumina Laboratory Services, Illumina
Classification: Uncertain significance for Norman-Roberts syndrome. Last evaluated: 2017-04-27. Review status: criteria provided, single submitter. Criteria: ICSL Variant Classification Criteria 13 December 2019. Collection method: clinical testing. Allele origin: germline.
Comment: This variant was observed as part of a predisposition screen in an ostensibly healthy population. A literature search was performed for the gene, cDNA change, and amino acid change (where applicable). Publications were found based on this search. However, the evidence from the literature, in combination with allele frequency data from public databases where available, was not sufficient to rule this variant in or out of causing disease. Therefore, this variant is classified as a variant of unknown significance.

Eurofins Ntd Llc (ga)
Classification: Uncertain significance. Last evaluated: 2013-05-31. Review status: criteria provided, single submitter. Criteria: EGL Classification Definitions 2015. Collection method: clinical testing. Allele origin: germline. Observed: 1 variant allele, 1 heterozygote.

Literature cited by the submitters: PubMed 25648840 (cited by 3 submitters); PubMed 30190612 (cited by Mayo Clinic Laboratories, Mayo Clinic and Ambry Genetics); PubMed 31875159 (cited by Mayo Clinic Laboratories, Mayo Clinic); PubMed 34426522 (cited by Mayo Clinic Laboratories, Mayo Clinic).